The following is an entry in ClinVar:

NM_000404.4(GLB1):c.171C>G (p.Tyr57Ter)

Gene: GLB1 (galactosidase beta 1; minus strand). Cytogenetic location: 3p22.3.
Variant type: single nucleotide variant.
Coding change: c.171C>G on transcript NM_000404.4 (MANE Select); coding-DNA position 171, C replaced by G.
Protein change: p.Tyr57Ter; replaces tyrosine 57 with a stop codon.
Molecular consequence: nonsense.
Genome position (GRCh38, 1-based): chr3:33,072,618, G>C on the plus strand (C>G on the coding strand, the complement: GLB1 is on the minus strand). VCF-style: chr3-33072618-G-C. GRCh37 (hg19) VCF-style: chr3-33114110-G-C.
Other names: c.81C>G, p.Tyr27Ter (NM_001079811.3); c.171C>G, p.Tyr57Ter (NM_001135602.3, NM_001393580.1); c.315C>G, p.Tyr105Ter (NM_001317040.2); short protein forms Y57*, Y105*, Y27*.
Identifiers: ClinVar variation 92900 (VCV000092900.20), dbSNP rs398123350, ClinGen allele CA201540.
Genomic context (GRCh38, chr3:33,072,618, plus strand): 5'-CAGCCCAGCCATCTTCATCTTCAGCAGCCGGTCCTTCCAGTAGAAGCGGGGCACACGGGA[G>C]TAGTGAATGCTTCCTGAGATGTAGCGAAATGGCTGGCCATCCTTGAGGAAGGAGTCCCGG-3'

ClinVar aggregate classification (germline): Pathogenic. Review status: criteria provided, multiple submitters, no conflicts (2 of 4 stars). 7 submissions from 7 submitters: Pathogenic (5). 2 of the submissions do not count toward it. Last evaluated 2025-09-10.

Conditions:
GM1 gangliosidosis type 3. Also called: GANGLIOSIDOSIS, GENERALIZED GM1, ADULT TYPE; GANGLIOSIDOSIS, GENERALIZED GM1, CHRONIC TYPE; GANGLIOSIDOSIS, GENERALIZED GM1, TYPE III; Beta-galactosidase deficiency; Adult GM1 gangliosidosis; Type 3 (adult) GM1 gangliosidosis. Identifiers: Orphanet 79257, MedGen C0268273, MONDO:0009262, OMIM 230650.
Mucopolysaccharidosis, MPS-IV-B (MPS4B). Also called: Mucopolysaccharidosis Type IVB (Morquio B Disease); Mucopolysaccharidosis type 4B; Mucopolysaccharidosis type IVB (Morquio); MPS IVB; Mucopolysaccharidosis type IV B; MORQUIO SYNDROME B. Identifiers: Orphanet 309310, Orphanet 582, MedGen C0086652, MONDO:0009660, OMIM 253010.
GM1 gangliosidosis type 2. Also called: GANGLIOSIDOSIS, GENERALIZED GM1, JUVENILE TYPE; GANGLIOSIDOSIS, GENERALIZED GM1, TYPE II; Juvenile GM>1< gangliosidosis; Gangliosidosis, Generalized GM1, Type 2; GM1-GANGLIOSIDOSIS, TYPE II. Identifiers: Orphanet 354, Orphanet 79256, MedGen C0268272, MONDO:0009261, OMIM 230600.
Infantile GM1 gangliosidosis. Also called: GM1-gangliosidosis, type I; Gangliosidosis, generalized GM1, infantile form; GLB1 deficiency; GM1 gangliosidosis type 1; Gangliosidosis, Generalized GM1, Type 1. Identifiers: Orphanet 354, Orphanet 79255, MedGen C0268271, MONDO:0009260, OMIM 230500.
GM1 gangliosidosis. Identifiers: Orphanet 354, MedGen C0085131, MONDO:0018149.

Allele frequency attached by ClinVar (database versions not stated): TOPMed 0.00001.

Submissions (7):

Genomic Medicine Center of Excellence, King Faisal Specialist Hospital and Research Centre
Classification: Pathogenic for Infantile GM1 gangliosidosis. Last evaluated: 2025-09-10. Review status: criteria provided, single submitter. Criteria: ACMG Guidelines, 2015. Collection method: clinical testing. Allele origin: germline.

Women's Health and Genetics/Laboratory Corporation of America, LabCorp
Classification: Pathogenic for GM1 gangliosidosis. Last evaluated: 2024-01-30. Review status: criteria provided, single submitter. Criteria: LabCorp Variant Classification Summary - May 2015. Collection method: clinical testing. Allele origin: germline.
Comment: Variant summary: GLB1 c.171C>G (p.Tyr57X) results in a premature termination codon, predicted to cause absence of the protein due to nonsense mediated decay, which is a commonly known mechanism for disease. The variant was absent in 249514 control chromosomes. c.171C>G has been reported in the literature at a homozygous state in at-lease one individual affected with infantile form of GM1 Gangliosidosis (Georgiou_2004). These data indicate that the variant may be associated with disease. At least one publication reports experimental evidence evaluating an impact on protein function. The most pronounced variant effect results in absence of the total and mRNA of GLB1 in the cultured fibroblasts in the patient carrying homozygous c.171C>G via Northen blot analysis (Georgiou_2004). The following publication has been ascertained in the context of this evaluation (PMID: 15365997). ClinVar contains an entry for this variant (Variation ID: 92900). Based on the evidence outlined above, the variant was classified as pathogenic.

Labcorp Genetics (formerly Invitae), Labcorp
Classification: Pathogenic for Mucopolysaccharidosis, MPS-IV-B; GM1 gangliosidosis. Last evaluated: 2022-05-15. Review status: criteria provided, single submitter. Criteria: Invitae Variant Classification Sherloc (09022015). Collection method: clinical testing. Allele origin: germline.
Comment: This sequence change creates a premature translational stop signal (p.Tyr57*) in the GLB1 gene. It is expected to result in an absent or disrupted protein product. Loss-of-function variants in GLB1 are known to be pathogenic (PMID: 18524657). This variant is not present in population databases (gnomAD no frequency). This premature translational stop signal has been observed in individual(s) with GM1-gangliosidosis (PMID: 15365997). ClinVar contains an entry for this variant (Variation ID: 92900). For these reasons, this variant has been classified as Pathogenic.

Revvity Omics, Revvity
Classification: Pathogenic. Last evaluated: 2021-08-03. Review status: criteria provided, single submitter. Criteria: ACMG Guidelines, 2015. Collection method: clinical testing. Allele origin: germline.

Eurofins Ntd Llc (ga)
Classification: Pathogenic. Last evaluated: 2013-08-30. Review status: criteria provided, single submitter. Criteria: EGL Classification Definitions. Collection method: clinical testing. Allele origin: germline. Observed: 7 variant alleles, 4 heterozygotes, 3 homozygotes.

Counsyl
Classification: Likely pathogenic for Infantile GM1 gangliosidosis; GM1 gangliosidosis type 2; GM1 gangliosidosis type 3; Mucopolysaccharidosis, MPS-IV-B. Last evaluated: 2017-12-18. Review status: no assertion criteria provided. Collection method: clinical testing. Allele origin: unknown. Not counted in ClinVar's aggregate classification.

Mayo Clinic Laboratories, Mayo Clinic
Classification: Pathogenic. Last evaluated: 2017-11-13. Review status: no assertion criteria provided. Collection method: clinical testing. Allele origin: unknown. Not counted in ClinVar's aggregate classification.

Literature cited by the submitters: PubMed 15365997 (cited by 3 submitters); PubMed 18524657 (cited by Labcorp Genetics (formerly Invitae), Labcorp); PubMed 25525159 (cited by Counsyl); PubMed 16617000 (cited by Counsyl).